The following is an entry in ClinVar:

NM_006231.4(POLE):c.5679-9_5715dup

Gene: POLE (DNA polymerase epsilon, catalytic subunit; minus strand). Cytogenetic location: 12q24.33.
Variant type: Duplication.
Coding change: c.5679-9_5715dup on transcript NM_006231.4 (MANE Select); 9 bases into the intron before coding-DNA position 5679 through coding-DNA position 5715, 46 bases duplicated.
Molecular consequence: splice acceptor variant.
Genome position (GRCh38, 1-based): chr12:132,635,988-132,636,033, 46 bases duplicated; duplicating any 46 consecutive bases within chr12:132,635,988-132,636,035 gives the same sequence; the c. name uses the placement nearest the transcript's 3' end. GRCh37 (hg19): chr12:133,212,576-133,212,621.
Identifiers: ClinVar variation 1504387 (VCV001504387.6), dbSNP rs2138486678, ClinGen allele CA2573148323.

ClinVar aggregate classification (germline): Uncertain significance (1 of 4 stars; one submission).

Submission:

Labcorp Genetics (formerly Invitae), Labcorp
Classification: Uncertain significance. Last evaluated: 2021-01-21. Review status: criteria provided, single submitter. Criteria: Invitae Variant Classification Sherloc (09022015). Collection method: clinical testing. Allele origin: germline.
Comment: This sequence change falls in intron 41 of the POLE gene. It does not directly change the encoded amino acid sequence of the POLE protein. This variant is not present in population databases (ExAC no frequency). This variant has not been reported in the literature in individuals with POLE-related conditions. Algorithms developed to predict the effect of sequence changes on RNA splicing suggest that this variant may create or strengthen a splice site, but this prediction has not been confirmed by published transcriptional studies. In summary, the available evidence is currently insufficient to determine the role of this variant in disease. Therefore, it has been classified as a Variant of Uncertain Significance.